The following is an entry in ClinVar:

NM_203447.4(DOCK8):c.5558A>C (p.Lys1853Thr)

Gene: DOCK8 (dedicator of cytokinesis 8; plus strand). Cytogenetic location: 9p24.3.
Variant type: single nucleotide variant.
Coding change: c.5558A>C on transcript NM_203447.4 (MANE Select); coding-DNA position 5558, A replaced by C.
Protein change: p.Lys1853Thr; replaces lysine 1853 with threonine.
Molecular consequence: missense variant.
Genome position (GRCh38, 1-based): chr9:443,494, A>C. VCF-style: chr9-443494-A-C. GRCh37 (hg19) VCF-style: chr9-443494-A-C.
Other names: c.5258A>C, p.Lys1753Thr (NM_001190458.2); c.5354A>C, p.Lys1785Thr (NM_001193536.2); short protein forms K1753T, K1785T, K1853T.
Identifiers: ClinVar variation 4745011 (VCV004745011.1).

ClinVar aggregate classification (germline): Uncertain significance (1 of 4 stars; one submission).

Conditions:
Combined immunodeficiency due to DOCK8 deficiency (HIES2). Also called: HYPER-IgE SYNDROME 2, AUTOSOMAL RECESSIVE, WITH RECURRENT INFECTIONS; DOCK8 Deficiency; HIES autosomal recessive; Hyper-IgE recurrent infection syndrome, autosomal recessive; HYPER-IgE RECURRENT INFECTION SYNDROME 2, AUTOSOMAL RECESSIVE. Identifiers: Orphanet 217390, MedGen C4722305, MONDO:0009478, OMIM 243700.

Submission:

Labcorp Genetics (formerly Invitae), Labcorp
Classification: Uncertain significance for Combined immunodeficiency due to DOCK8 deficiency. Last evaluated: 2026-01-08. Review status: criteria provided, single submitter. Criteria: Invitae Variant Classification Sherloc (09022015). Collection method: clinical testing. Allele origin: germline.
Comment: This sequence change replaces lysine, which is basic and polar, with threonine, which is neutral and polar, at codon 1853 of the DOCK8 protein (p.Lys1853Thr). This variant is not present in population databases (gnomAD no frequency). This variant has not been reported in the literature in individuals affected with DOCK8-related conditions. Invitae Evidence Modeling of protein sequence and biophysical properties (such as structural, functional, and spatial information, amino acid conservation, physicochemical variation, residue mobility, and thermodynamic stability) indicates that this missense variant is not expected to disrupt DOCK8 protein function with a negative predictive value of 80%. In summary, the available evidence is currently insufficient to determine the role of this variant in disease. Therefore, it has been classified as a Variant of Uncertain Significance.